The following is an entry in ClinVar:

ClinVar aggregate classification (germline): Conflicting classifications of pathogenicity. Review status: criteria provided, conflicting classifications (1 of 4 stars). 3 submissions from 3 submitters: Uncertain significance (2); Likely benign (1). Last evaluated 2025-09-21.

Conditions:
Duchenne muscular dystrophy (DMD). Also called: MUSCULAR DYSTROPHY, PSEUDOHYPERTROPHIC PROGRESSIVE, DUCHENNE TYPE; Duchenne Muscular Dystrophy (DMD). Identifiers: Orphanet 98896, MedGen C0013264, MONDO:0010679, OMIM 310200.
Cardiovascular phenotype. Identifiers: MedGen CN230736.

Allele frequency attached by ClinVar (database versions not stated): gnomAD 0.00001; gnomAD exomes 0.00001.
gnomAD v4.1: 5 of 1,209,051 alleles (0.00041%); highest among the groups gnomAD compares: Non-Finnish European, 0.00056%; no homozygotes.

Submissions (3):

Labcorp Genetics (formerly Invitae), Labcorp
Classification: Uncertain significance for Duchenne muscular dystrophy. Last evaluated: 2025-09-21. Review status: criteria provided, single submitter. Criteria: Invitae Variant Classification Sherloc (09022015). Collection method: clinical testing. Allele origin: germline.
Comment: This sequence change replaces arginine, which is basic and polar, with tryptophan, which is neutral and slightly polar, at codon 1917 of the DMD protein (p.Arg1917Trp). The frequency data for this variant in the population databases is considered unreliable, as metrics indicate poor data quality at this position in the gnomAD database. This variant has not been reported in the literature in individuals affected with DMD-related conditions. ClinVar contains an entry for this variant (Variation ID: 499649). Invitae Evidence Modeling of protein sequence and biophysical properties (such as structural, functional, and spatial information, amino acid conservation, physicochemical variation, residue mobility, and thermodynamic stability) indicates that this missense variant is not expected to disrupt DMD protein function with a negative predictive value of 95%. In summary, the available evidence is currently insufficient to determine the role of this variant in disease. Therefore, it has been classified as a Variant of Uncertain Significance.

Ambry Genetics
Classification: Likely benign for Cardiovascular phenotype. Last evaluated: 2025-07-11. Review status: criteria provided, single submitter. Criteria: Ambry Variant Classification Scheme 2023. Collection method: clinical testing. Allele origin: germline.

Eurofins Ntd Llc (ga)
Classification: Uncertain significance. Last evaluated: 2017-01-03. Review status: criteria provided, single submitter. Criteria: EGL Classification Definitions 2015. Collection method: clinical testing. Allele origin: germline. Observed: 1 variant allele, 1 hemizygote.

NM_004006.3(DMD):c.5749C>T (p.Arg1917Trp)

Gene: DMD (dystrophin; minus strand). Cytogenetic location: Xp21.1.
Variant type: single nucleotide variant.
Coding change: c.5749C>T on transcript NM_004006.3 (MANE Select); coding-DNA position 5749, C replaced by T.
Protein change: p.Arg1917Trp; replaces arginine 1917 with tryptophan.
Molecular consequence: missense variant.
Genome position (GRCh38, 1-based): chrX:32,342,273, G>A on the plus strand (C>T on the coding strand, the complement: DMD is on the minus strand). VCF-style: chrX-32342273-G-A. GRCh37 (hg19) VCF-style: chrX-32360390-G-A.
Other names: c.5725C>T, p.Arg1909Trp (NM_000109.4); c.5737C>T, p.Arg1913Trp (NM_004009.3); c.5380C>T, p.Arg1794Trp (NM_004010.3); c.1726C>T, p.Arg576Trp (NM_004011.4); c.1717C>T, p.Arg573Trp (NM_004012.4); c.5749C>T (NM_004006.2); short protein forms R1917W, R1909W, R576W, R1794W, R1913W, R573W.
Identifiers: ClinVar variation 499649 (VCV000499649.13), dbSNP rs763893272, ClinGen allele CA412665346.